The following is an entry in ClinVar:

ClinVar aggregate classification (germline): Uncertain significance. Review status: criteria provided, multiple submitters, no conflicts (2 of 4 stars). 2 submissions from 2 submitters: Uncertain significance (2). Last evaluated 2024-12-18.

Conditions:
Familial sleep-related hypermotor epilepsy. Also called: Autosomal Dominant Sleep-Related Hypermotor (Hyperkinetic) Epilepsy. Identifiers: Orphanet 98784, MedGen C3696898, MONDO:0000030.

Allele frequency attached by ClinVar (database versions not stated): TOPMed below 0.00001; gnomAD 0.00001; gnomAD exomes 0.00001; ExAC 0.00005; ESP Exome Variant Server 0.00008.

Submissions (2):

GeneDx
Classification: Uncertain significance. Last evaluated: 2024-12-18. Review status: criteria provided, single submitter. Criteria: GeneDx Variant Classification Process June 2021. Collection method: clinical testing. Allele origin: germline. Affected: yes.
Comment: In silico analysis indicates that this missense variant does not alter protein structure/function; Has not been previously published as pathogenic or benign to our knowledge

Labcorp Genetics (formerly Invitae), Labcorp
Classification: Uncertain significance. Last evaluated: 2020-10-01. Review status: criteria provided, single submitter. Criteria: Invitae Variant Classification Sherloc (09022015). Collection method: clinical testing. Allele origin: germline.
Comment: In summary, the available evidence is currently insufficient to determine the role of this variant in disease. Therefore, it has been classified as a Variant of Uncertain Significance. Algorithms developed to predict the effect of missense changes on protein structure and function (SIFT, PolyPhen-2, Align-GVGD) all suggest that this variant is likely to be tolerated, but these predictions have not been confirmed by published functional studies and their clinical significance is uncertain. This variant has not been reported in the literature in individuals with CHRNA4-related conditions. This variant is present in population databases (rs374914461, ExAC 0.04%). This sequence change replaces alanine with valine at codon 440 of the CHRNA4 protein (p.Ala440Val). The alanine residue is weakly conserved and there is a small physicochemical difference between alanine and valine.

NM_000744.7(CHRNA4):c.1319C>T (p.Ala440Val)

Gene: CHRNA4 (cholinergic receptor nicotinic alpha 4 subunit; minus strand). Cytogenetic location: 20q13.33.
Variant type: single nucleotide variant.
Coding change: c.1319C>T on transcript NM_000744.7 (MANE Select); coding-DNA position 1319, C replaced by T.
Protein change: p.Ala440Val; replaces alanine 440 with valine.
Molecular consequence: missense variant. On other transcripts: non-coding transcript variant (1).
Genome position (GRCh38, 1-based): chr20:63,350,092, G>A on the plus strand (C>T on the coding strand, the complement: CHRNA4 is on the minus strand). VCF-style: chr20-63350092-G-A. GRCh37 (hg19) VCF-style: chr20-61981444-G-A.
Other names: c.791C>T, p.Ala264Val (NM_001256573.2); c.1319C>T (NM_000744.5); short protein forms A264V, A440V.
Identifiers: ClinVar variation 1036300 (VCV001036300.10), dbSNP rs374914461, ClinGen allele CA9957610.